The following is an entry in ClinVar:

ClinVar aggregate classification (germline): Likely benign. Review status: criteria provided, single submitter (1 of 4 stars). 2 submissions from 2 submitters: Likely benign (1). 1 of the submissions does not count toward it. Last evaluated 2026-01-26.

Conditions:
SERPINF1-related disorder. Also called: SERPINF1-related condition.

Allele frequency attached by ClinVar (database versions not stated): gnomAD exomes 0.00019; ExAC 0.00020; TOPMed 0.00036; ESP Exome Variant Server 0.00038; gnomAD 0.00039 and 0.00040.
gnomAD v4.1: 436 of 1,614,006 alleles (0.027%); highest among the groups gnomAD compares: Non-Finnish European, 0.032%; no homozygotes.

Submissions (2):

Labcorp Genetics (formerly Invitae), Labcorp
Classification: Likely benign. Last evaluated: 2026-01-26. Review status: criteria provided, single submitter. Criteria: Invitae Variant Classification Sherloc (09022015). Collection method: clinical testing. Allele origin: germline.

PreventionGenetics, part of Exact Sciences
Classification: Likely benign for SERPINF1-related condition. Last evaluated: 2023-07-19. Review status: no assertion criteria provided. Collection method: clinical testing. Allele origin: germline. Not counted in ClinVar's aggregate classification.
Comment: This variant is classified as likely benign based on ACMG/AMP sequence variant interpretation guidelines (Richards et al. 2015 PMID: 25741868, with internal and published modifications).

NM_002615.7(SERPINF1):c.645G>C (p.Gly215=)

Gene: SERPINF1 (serpin family F member 1; plus strand). Cytogenetic location: 17p13.3.
Variant type: single nucleotide variant.
Coding change: c.645G>C on transcript NM_002615.7 (MANE Select); coding-DNA position 645, G replaced by C.
Protein change: p.Gly215=; no amino-acid change (glycine 215 retained).
Molecular consequence: synonymous variant.
Genome position (GRCh38, 1-based): chr17:1,775,059, G>C. VCF-style: chr17-1775059-G-C. GRCh37 (hg19) VCF-style: chr17-1678353-G-C.
Other names: c.645G>C, p.Gly215= (NM_001329903.2); c.84G>C, p.Gly28= (NM_001329904.2, NM_001329905.2).
Identifiers: ClinVar variation 713369 (VCV000713369.9), dbSNP rs140414882, ClinGen allele CA8274790.
Genomic context (GRCh38, chr17:1,775,059, plus strand): 5'-TGGCGCCACTGTCTTTCTGGTCTCCTGGGGCTCAGACTATGTCATACACTTCTTTCCAGG[G>C]CAGTGGGTAACAAAGTTTGACTCCAGAAAGACTTCCCTCGAGGATTTCTACTTGGATGAA-3'
Protein context (NP_002606.3, residues 205-225): ILLLGVAHFK[Gly215=]QWVTKFDSRK